The following is an entry in ClinVar:

NM_001378452.1(ITPR1):c.4493C>G (p.Thr1498Ser)

Gene: ITPR1 (inositol 1,4,5-trisphosphate receptor type 1; plus strand). Cytogenetic location: 3p26.1.
Variant type: single nucleotide variant.
Coding change: c.4493C>G on transcript NM_001378452.1 (MANE Select); coding-DNA position 4493, C replaced by G.
Protein change: p.Thr1498Ser; replaces threonine 1498 with serine.
Molecular consequence: missense variant.
Genome position (GRCh38, 1-based): chr3:4,699,898, C>G. VCF-style: chr3-4699898-C-G. GRCh37 (hg19) VCF-style: chr3-4741582-C-G.
Other names: c.4466C>G, p.Thr1489Ser (NM_001099952.4); c.4448C>G, p.Thr1483Ser (NM_001168272.2); c.4421C>G, p.Thr1474Ser (NM_002222.7); short protein forms T1474S, T1483S, T1498S, T1489S.
Identifiers: ClinVar variation 2999630 (VCV002999630.3), dbSNP rs2094618265, ClinGen allele CA351633241.

ClinVar aggregate classification (germline): Uncertain significance (1 of 4 stars; one submission).

Allele frequency attached by ClinVar (database versions not stated): TOPMed 0.00001.

Submission:

Labcorp Genetics (formerly Invitae), Labcorp
Classification: Uncertain significance. Last evaluated: 2024-12-09. Review status: criteria provided, single submitter. Criteria: Invitae Variant Classification Sherloc (09022015). Collection method: clinical testing. Allele origin: germline.
Comment: This sequence change replaces threonine, which is neutral and polar, with serine, which is neutral and polar, at codon 1474 of the ITPR1 protein (p.Thr1474Ser). This variant is not present in population databases (gnomAD no frequency). This variant has not been reported in the literature in individuals affected with ITPR1-related conditions. ClinVar contains an entry for this variant (Variation ID: 2999630). Invitae Evidence Modeling of protein sequence and biophysical properties (such as structural, functional, and spatial information, amino acid conservation, physicochemical variation, residue mobility, and thermodynamic stability) indicates that this missense variant is not expected to disrupt ITPR1 protein function with a negative predictive value of 95%. In summary, the available evidence is currently insufficient to determine the role of this variant in disease. Therefore, it has been classified as a Variant of Uncertain Significance.